The following is an entry in ClinVar:

ClinVar aggregate classification (germline): Uncertain significance. Review status: criteria provided, multiple submitters, no conflicts (2 of 4 stars). 3 submissions from 3 submitters: Uncertain significance (3). Last evaluated 2024-10-30.

Conditions:
Inborn genetic diseases. Identifiers: MedGen C0950123, MeSH D030342.

Allele frequency attached by ClinVar (database versions not stated): gnomAD exomes 0.00006; ESP Exome Variant Server 0.00015; ExAC 0.00022; TOPMed 0.00026; gnomAD 0.00031; 1000 Genomes Project 30x 0.00047; 1000 Genomes Project 0.00060.
gnomAD v4.1: 129 of 1,614,182 alleles (0.008%); highest among the groups gnomAD compares: East Asian, 0.11%; no homozygotes.

Submissions (3):

Blueprint Genetics
Classification: Uncertain significance. Last evaluated: 2024-10-30. Review status: criteria provided, single submitter. Criteria: ACMG Guidelines, 2015. Collection method: clinical testing. Allele origin: germline.

Women's Health and Genetics/Laboratory Corporation of America, LabCorp
Classification: Uncertain significance. Last evaluated: 2024-01-22. Review status: criteria provided, single submitter. Criteria: LabCorp Variant Classification Summary - May 2015. Collection method: clinical testing. Allele origin: germline.
Comment: Variant summary: FYCO1 c.3347G>A (p.Arg1116His) results in a non-conservative amino acid change in the encoded protein sequence. Three of five in-silico tools predict a damaging effect of the variant on protein function. The variant allele was found at a frequency of 0.00019 in 251494 control chromosomes. To our knowledge, no occurrence of c.3347G>A in individuals affected with Cataract 18 and no experimental evidence demonstrating its impact on protein function have been reported. ClinVar contains an entry for this variant (Variation ID: 2593751). Based on the evidence outlined above, the variant was classified as uncertain significance.

Ambry Genetics
Classification: Uncertain significance for Inborn genetic diseases. Last evaluated: 2023-07-11. Review status: criteria provided, single submitter. Criteria: Ambry Variant Classification Scheme 2023. Collection method: clinical testing. Allele origin: germline.

NM_024513.4(FYCO1):c.3347G>A (p.Arg1116His)

Gene: FYCO1 (FYVE and coiled-coil domain autophagy adaptor 1; minus strand). Cytogenetic location: 3p21.31.
Variant type: single nucleotide variant.
Coding change: c.3347G>A on transcript NM_024513.4 (MANE Select); coding-DNA position 3347, G replaced by A.
Protein change: p.Arg1116His; replaces arginine 1116 with histidine.
Molecular consequence: missense variant. On other transcripts: non-coding transcript variant (1).
Genome position (GRCh38, 1-based): chr3:45,962,315, C>T on the plus strand (G>A on the coding strand, the complement: FYCO1 is on the minus strand). VCF-style: chr3-45962315-C-T. GRCh37 (hg19) VCF-style: chr3-46003807-C-T.
Other names: c.3347G>A, p.Arg1116His (NM_001386421.1, NM_001386422.1, NM_001386423.1 and 4 more transcripts); c.3227G>A, p.Arg1076His (NM_001386426.1); c.3203G>A, p.Arg1068His (NM_001386427.1); c.2747G>A, p.Arg916His (NM_001386430.1); short protein forms R1076H, R1068H, R916H, R1116H.
Identifiers: ClinVar variation 2593751 (VCV002593751.4), dbSNP rs148343002, ClinGen allele CA2352808.